The following is an entry in ClinVar:

NM_000551.4(VHL):c.176C>A (p.Pro59Gln)

Gene: VHL (von Hippel-Lindau tumor suppressor; plus strand). Cytogenetic location: 3p25.3.
Variant type: single nucleotide variant.
Coding change: c.176C>A on transcript NM_000551.4 (MANE Select); coding-DNA position 176, C replaced by A.
Protein change: p.Pro59Gln; replaces proline 59 with glutamine.
Molecular consequence: missense variant.
Genome position (GRCh38, 1-based): chr3:10,142,023, C>A. VCF-style: chr3-10142023-C-A. GRCh37 (hg19) VCF-style: chr3-10183707-C-A.
Other names: c.176C>A, p.Pro59Gln (NM_001354723.2, NM_198156.3); short protein forms P59Q.
Identifiers: ClinVar variation 1039427 (VCV001039427.10), dbSNP rs1696126408, ClinGen allele CA351748654.

ClinVar aggregate classification (germline): Uncertain significance. Review status: criteria provided, multiple submitters, no conflicts (2 of 4 stars). 2 submissions from 2 submitters: Uncertain significance (2). Last evaluated 2025-09-03.

Conditions:
Von Hippel-Lindau syndrome (VHLS). Also called: Von Hippel-Lindau; von Hippel–Lindau syndrome; VHL syndrome. Identifiers: Orphanet 892, MedGen C0019562, MONDO:0008667, OMIM 193300. Disease mechanism: loss of function.
Chuvash polycythemia. Also called: POLYCYTHEMIA, VHL-DEPENDENT. Identifiers: Orphanet 238557, MedGen C1837915, MONDO:0009892, OMIM 263400.

Submissions (2):

Labcorp Genetics (formerly Invitae), Labcorp
Classification: Uncertain significance for Von Hippel-Lindau syndrome; Chuvash polycythemia. Last evaluated: 2025-09-03. Review status: criteria provided, single submitter. Criteria: Invitae Variant Classification Sherloc (09022015). Collection method: clinical testing. Allele origin: germline.
Comment: This sequence change replaces proline, which is neutral and non-polar, with glutamine, which is neutral and polar, at codon 59 of the VHL protein (p.Pro59Gln). This variant is not present in population databases (gnomAD no frequency). This variant has not been reported in the literature in individuals affected with VHL-related conditions. ClinVar contains an entry for this variant (Variation ID: 1039427). An algorithm developed to predict the effect of missense changes on protein structure and function outputs the following: PolyPhen-2: "Possibly Damaging". The glutamine amino acid residue is found in multiple mammalian species, which suggests that this missense change does not adversely affect protein function. In summary, the available evidence is currently insufficient to determine the role of this variant in disease. Therefore, it has been classified as a Variant of Uncertain Significance.

Color Diagnostics, LLC DBA Color Health
Classification: Uncertain significance for Von Hippel-Lindau syndrome. Last evaluated: 2025-06-03. Review status: criteria provided, single submitter. Criteria: ACMG Guidelines, 2015. Collection method: clinical testing. Allele origin: germline.
Comment: This missense variant replaces proline with glutamine at codon 59 of the VHL protein. Computational prediction suggests that this variant may not impact protein structure and function. A functional study has shown this variant to have a neutral impact on VHL protein function (PMID: 38969834). This variant has not been reported in individuals affected with VHL-related disorders in the literature. This variant has not been identified in the general population by the Genome Aggregation Database (gnomAD). The available evidence is insufficient to determine the role of this variant in disease conclusively. Therefore, this variant is classified as a Variant of Uncertain Significance.

Literature cited by the submitters: PubMed 38969834 (cited by Color Diagnostics, LLC DBA Color Health).